The following is an entry in ClinVar:

NM_000016.6(ACADM):c.98C>G (p.Pro33Arg)

Gene: ACADM (acyl-CoA dehydrogenase medium chain; plus strand). Cytogenetic location: 1p31.1.
Variant type: single nucleotide variant.
Coding change: c.98C>G on transcript NM_000016.6 (MANE Select); coding-DNA position 98, C replaced by G.
Protein change: p.Pro33Arg; replaces proline 33 with arginine.
Molecular consequence: missense variant. On other transcripts: intron variant (2).
Genome position (GRCh38, 1-based): chr1:75,728,468, C>G. VCF-style: chr1-75728468-C-G. GRCh37 (hg19) VCF-style: chr1-76194153-C-G.
Other names: c.110C>G, p.Pro37Arg (NM_001127328.3); c.98C>G, p.Pro33Arg (NM_001286043.2); c.10+3651C>G (NM_001286042.2); c.-268+3651C>G (NM_001286044.2); short protein forms P37R, P33R.
Identifiers: ClinVar variation 2114239 (VCV002114239.4), dbSNP rs2100347224, ClinGen allele CA340807391.
Genomic context (GRCh38, chr1:75,728,468, plus strand): 5'-GAAGTATTTCTCGTTTTCATTGGAGATCACAGCATACAAAAGCCAATCGACAACGTGAAC[C>G]AGGATTAGGATTTAGTTTTGGTATATGTTCGGTTCTATCTTTTGACTTTAAACTTATACA-3'
Protein context (NP_000007.1, residues 23-43): QHTKANRQRE[Pro33Arg]GLGFSFEFTE

ClinVar aggregate classification (germline): Uncertain significance (1 of 4 stars; one submission).

Conditions:
Medium-chain acyl-coenzyme A dehydrogenase deficiency (ACADMD). Also called: MCADH DEFICIENCY; ACADM DEFICIENCY; MCADD; MCAD Deficiency; CARNITINE DEFICIENCY SECONDARY TO MEDIUM-CHAIN ACYL-CoA DEHYDROGENASE DEFICIENCY; Medium chain acyl-CoA dehydrogenase deficiency. Identifiers: Orphanet 42, MedGen C0220710, MONDO:0008721, OMIM 201450.

Submission:

Labcorp Genetics (formerly Invitae), Labcorp
Classification: Uncertain significance for Medium-chain acyl-coenzyme A dehydrogenase deficiency. Last evaluated: 2022-03-19. Review status: criteria provided, single submitter. Criteria: Invitae Variant Classification Sherloc (09022015). Collection method: clinical testing. Allele origin: germline.
Comment: In summary, the available evidence is currently insufficient to determine the role of this variant in disease. Therefore, it has been classified as a Variant of Uncertain Significance. Algorithms developed to predict the effect of missense changes on protein structure and function (SIFT, PolyPhen-2, Align-GVGD) all suggest that this variant is likely to be tolerated. This variant has not been reported in the literature in individuals affected with ACADM-related conditions. This variant is not present in population databases (gnomAD no frequency). This sequence change replaces proline, which is neutral and non-polar, with arginine, which is basic and polar, at codon 33 of the ACADM protein (p.Pro33Arg).